The following is an entry in ClinVar:

ClinVar aggregate classification (germline): Uncertain significance (1 of 4 stars; one submission).

Conditions:
Neuromuscular disease caused by qualitative or quantitative defects of dysferlin. Also called: Qualitative or quantitative defects of dysferlin; Dysferlinopathy. Identifiers: Orphanet 207073, MedGen C2931687, MONDO:0016145.

Allele frequency attached by ClinVar (database versions not stated): ExAC 0.00001; gnomAD exomes 0.00001; gnomAD 0.00002; TOPMed 0.00002.
gnomAD v4.1: 6 of 1,613,994 alleles (0.00037%); highest among the groups gnomAD compares: African/African-American, 0.008%; 1 homozygote.

Submission:

Labcorp Genetics (formerly Invitae), Labcorp
Classification: Uncertain significance for Neuromuscular disease caused by qualitative or quantitative defects of dysferlin. Last evaluated: 2020-09-09. Review status: criteria provided, single submitter. Criteria: Invitae Variant Classification Sherloc (09022015). Collection method: clinical testing. Allele origin: germline.
Comment: This sequence change replaces glutamine with arginine at codon 1576 of the DYSF protein (p.Gln1576Arg). The glutamine residue is moderately conserved and there is a small physicochemical difference between glutamine and arginine. This variant is present in population databases (rs776855967, ExAC 0.01%). This variant has not been reported in the literature in individuals with DYSF-related conditions. Advanced modeling of protein sequence and biophysical properties (such as structural, functional, and spatial information, amino acid conservation, physicochemical variation, residue mobility, and thermodynamic stability) performed at Invitae indicates that this missense variant is not expected to disrupt DYSF protein function. In summary, the available evidence is currently insufficient to determine the role of this variant in disease. Therefore, it has been classified as a Variant of Uncertain Significance.

NM_001130987.2(DYSF):c.4844A>G (p.Gln1615Arg)

Gene: DYSF (dysferlin; plus strand). Cytogenetic location: 2p13.2.
Variant type: single nucleotide variant.
Coding change: c.4844A>G on transcript NM_001130987.2 (MANE Select); coding-DNA position 4844, A replaced by G.
Protein change: p.Gln1615Arg; replaces glutamine 1615 with arginine.
Molecular consequence: missense variant.
Genome position (GRCh38, 1-based): chr2:71,658,966, A>G. VCF-style: chr2-71658966-A-G. GRCh37 (hg19) VCF-style: chr2-71886096-A-G.
Other names: c.4730A>G, p.Gln1577Arg (NM_001130455.2); c.4685A>G, p.Gln1562Arg (NM_001130976.2); c.4748A>G, p.Gln1583Arg (NM_001130977.2); c.4790A>G, p.Gln1597Arg (NM_001130978.2); c.4820A>G, p.Gln1607Arg (NM_001130979.2); c.4778A>G, p.Gln1593Arg (NM_001130980.2); c.4841A>G, p.Gln1614Arg (NM_001130981.2); c.4823A>G, p.Gln1608Arg (NM_001130982.2); and 5 more; short protein forms Q1563R, Q1584R, Q1598R, Q1614R, Q1593R, Q1597R, Q1607R, Q1615R.
Identifiers: ClinVar variation 2069464 (VCV002069464.1), dbSNP rs776855967, ClinGen allele CA1707156.